The following is an entry in ClinVar:

NM_001985.3(ETFB):c.82G>A (p.Gly28Ser)

Gene: ETFB (electron transfer flavoprotein subunit beta; minus strand). Cytogenetic location: 19q13.41.
Variant type: single nucleotide variant.
Coding change: c.82G>A on transcript NM_001985.3 (MANE Select); coding-DNA position 82, G replaced by A.
Protein change: p.Gly28Ser; replaces glycine 28 with serine.
Molecular consequence: missense variant.
Genome position (GRCh38, 1-based): chr19:51,354,284, C>T on the plus strand (G>A on the coding strand, the complement: ETFB is on the minus strand). VCF-style: chr19-51354284-C-T. GRCh37 (hg19) VCF-style: chr19-51857538-C-T.
Other names: c.355G>A, p.Gly119Ser (NM_001014763.1); c.82G>A (NM_001985.2); short protein forms G28S, G119S.
Identifiers: ClinVar variation 1413420 (VCV001413420.7), dbSNP rs750230877, ClinGen allele CA9610868.

ClinVar aggregate classification (germline): Uncertain significance. Review status: criteria provided, multiple submitters, no conflicts (2 of 4 stars). 2 submissions from 2 submitters: Uncertain significance (2). Last evaluated 2025-07-09.

Conditions:
Inborn genetic diseases. Identifiers: MedGen C0950123, MeSH D030342.
Multiple acyl-CoA dehydrogenase deficiency (MADD). Also called: Glutaric aciduria, type 2; Glutaric acidemia type II; GA 2; Glutaric Acidemia type 2; ETHYLMALONIC-ADIPICACIDURIA; GA II. Identifiers: Orphanet 26791, MedGen C0268596, MONDO:0009282, OMIM 231680.

Allele frequency attached by ClinVar (database versions not stated): ExAC 0.00002; TOPMed 0.00003; gnomAD exomes 0.00004.
gnomAD v4.1: 67 of 1,614,024 alleles (0.0042%); highest among the groups gnomAD compares: East Asian, 0.031%; no homozygotes.

Submissions (2):

Labcorp Genetics (formerly Invitae), Labcorp
Classification: Uncertain significance for Multiple acyl-CoA dehydrogenase deficiency. Last evaluated: 2025-07-09. Review status: criteria provided, single submitter. Criteria: Invitae Variant Classification Sherloc (09022015). Collection method: clinical testing. Allele origin: germline.
Comment: This sequence change replaces glycine, which is neutral and non-polar, with serine, which is neutral and polar, at codon 28 of the ETFB protein (p.Gly28Ser). This variant is present in population databases (rs750230877, gnomAD 0.04%). This missense change has been observed in individual(s) with ETFB-related conditions (PMID: 35095998). ClinVar contains an entry for this variant (Variation ID: 1413420). Invitae Evidence Modeling of protein sequence and biophysical properties (such as structural, functional, and spatial information, amino acid conservation, physicochemical variation, residue mobility, and thermodynamic stability) has been performed for this missense variant. However, the output from this modeling did not meet the statistical confidence thresholds required to predict the impact of this variant on ETFB protein function. In summary, the available evidence is currently insufficient to determine the role of this variant in disease. Therefore, it has been classified as a Variant of Uncertain Significance.

Ambry Genetics
Classification: Uncertain significance for Inborn genetic diseases. Last evaluated: 2021-12-16. Review status: criteria provided, single submitter. Criteria: Ambry Variant Classification Scheme 2023. Collection method: clinical testing. Allele origin: germline.

Literature cited by the submitters: PubMed 35095998 (cited by Labcorp Genetics (formerly Invitae), Labcorp).